The following is an entry in ClinVar:

ClinVar aggregate classification (germline): Benign. Review status: criteria provided, multiple submitters, no conflicts (2 of 4 stars). 3 submissions from 3 submitters: Benign (3). Last evaluated 2025-12-23.

Conditions:
Renal tubular dysgenesis. Also called: Renotubular dysgenesis. Identifiers: Orphanet 3033, MedGen C0266313, MONDO:0017609, HP:0008660.

Allele frequency attached by ClinVar (database versions not stated): ExAC below 0.00001; gnomAD exomes 0.00053; TOPMed 0.00452; 1000 Genomes Project 0.00579; 1000 Genomes Project 30x 0.00687.
gnomAD v4.1: 1,008 of 1,309,736 alleles (0.077%); highest among the groups gnomAD compares: African/African-American, 1.4%; 11 homozygotes.

Submissions (3):

Labcorp Genetics (formerly Invitae), Labcorp
Classification: Benign. Last evaluated: 2025-12-23. Review status: criteria provided, single submitter. Criteria: Invitae Variant Classification Sherloc (09022015). Collection method: clinical testing. Allele origin: germline.

Illumina Laboratory Services, Illumina
Classification: Benign for Renal tubular dysgenesis of genetic origin. Last evaluated: 2018-01-12. Review status: criteria provided, single submitter. Criteria: ICSL Variant Classification Criteria 13 December 2019. Collection method: clinical testing. Allele origin: germline.
Comment: This variant was observed in the ICSL laboratory as part of a predisposition screen in an ostensibly healthy population. It had not been previously curated by ICSL or reported in the Human Gene Mutation Database (HGMD: prior to June 1st, 2018), and was therefore a candidate for classification through an automated scoring system. Utilizing variant allele frequency, disease prevalence and penetrance estimates, and inheritance mode, an automated score was calculated to assess if this variant is too frequent to cause the disease. Based on the score and internal cut-off values, a variant classified as benign is not then subjected to further curation. The score for this variant resulted in a classification of benign for this disease.

Breakthrough Genomics
Classification: Benign. Review status: criteria provided, single submitter. Criteria: ACMG Guidelines, 2015. Collection method: not provided. Allele origin: germline. Inheritance: Autosomal recessive inheritance. Affected: yes.

NM_000789.4(ACE):c.5G>T (p.Gly2Val)

Gene: ACE (angiotensin I converting enzyme; plus strand). Cytogenetic location: 17q23.3.
Variant type: single nucleotide variant.
Coding change: c.5G>T on transcript NM_000789.4 (MANE Select); coding-DNA position 5, G replaced by T.
Protein change: p.Gly2Val; replaces glycine 2 with valine.
Molecular consequence: missense variant.
Genome position (GRCh38, 1-based): chr17:63,477,099, G>T. VCF-style: chr17-63477099-G-T. GRCh37 (hg19) VCF-style: chr17-61554460-G-T.
Other names: short protein forms G2V.
Identifiers: ClinVar variation 324357 (VCV000324357.15), dbSNP rs558593002, ClinGen allele CA8698931.